The following is an entry in ClinVar:

ClinVar aggregate classification (germline): Likely benign. Review status: criteria provided, multiple submitters, no conflicts (2 of 4 stars). 4 submissions from 4 submitters: Likely benign (4). Last evaluated 2026-01-20.

Conditions:
Cardiovascular phenotype. Identifiers: MedGen CN230736.
Arrhythmogenic right ventricular cardiomyopathy (ARVD). Also called: Arrhythmogenic cardiomyopathy; Cardiomyopathy, ARVC; Arrhythmogenic right ventricular dysplasia; Arrhythmogenic Right Ventricular Cardiomyopathy (ARVC). Identifiers: Orphanet 247, MedGen C0349788, MeSH D019571, MONDO:0016587. Disease mechanism: loss of function. Inheritance: Various modes of inheritance.
Cardiomyopathy (CMYO). Also called: Cardiomyopathies. Identifiers: Orphanet 167848, MedGen C0878544, MONDO:0004994, HP:0001638. Inheritance: Various modes of inheritance.
Arrhythmogenic right ventricular dysplasia 9 (ARVD9). Also called: Arrhythmogenic Right Ventricular Dysplasia/Cardiomyopathy 9; ARRHYTHMOGENIC RIGHT VENTRICULAR DYSPLASIA, FAMILIAL, 9. Identifiers: MedGen C1836906, MONDO:0012180, OMIM 609040.

Allele frequency attached by ClinVar (database versions not stated): ExAC 0.00002; gnomAD exomes 0.00002; gnomAD 0.00004; TOPMed 0.00004.
gnomAD v4.1: 38 of 1,613,822 alleles (0.0024%); highest among the groups gnomAD compares: South Asian, 0.014%; no homozygotes.

Submissions (4):

Labcorp Genetics (formerly Invitae), Labcorp
Classification: Likely benign for Arrhythmogenic right ventricular dysplasia 9. Last evaluated: 2026-01-20. Review status: criteria provided, single submitter. Criteria: Invitae Variant Classification Sherloc (09022015). Collection method: clinical testing. Allele origin: germline.

Ambry Genetics
Classification: Likely benign for Cardiovascular phenotype. Last evaluated: 2024-10-07. Review status: criteria provided, single submitter. Criteria: Ambry Variant Classification Scheme 2023. Collection method: clinical testing. Allele origin: germline.

All of Us Research Program, National Institutes of Health
Classification: Likely benign for Arrhythmogenic right ventricular cardiomyopathy. Last evaluated: 2023-12-18. Review status: criteria provided, single submitter. Criteria: ACMG Guidelines, 2015. Collection method: clinical testing. Allele origin: germline. Inheritance: Autosomal dominant inheritance. Observed: 10 variant alleles, 10 heterozygotes.
Comment: This study involves interpretation of variants in research participants for the purpose of population health screening. Participant phenotype was not available at the time of variant classification. Additional details can be found in publication PMID: 35346344, PMCID: PMC8962531

Color Diagnostics, LLC DBA Color Health
Classification: Likely benign for Cardiomyopathy. Last evaluated: 2018-11-27. Review status: criteria provided, single submitter. Criteria: ACMG Guidelines, 2015. Collection method: clinical testing. Allele origin: germline.

NM_001005242.3(PKP2):c.468G>A (p.Pro156=)

Gene: PKP2 (plakophilin 2; minus strand). Cytogenetic location: 12p11.21.
Variant type: single nucleotide variant.
Coding change: c.468G>A on transcript NM_001005242.3 (MANE Select); coding-DNA position 468, G replaced by A.
Protein change: p.Pro156=; no amino-acid change (proline 156 retained).
Molecular consequence: synonymous variant.
Genome position (GRCh38, 1-based): chr12:32,878,412, C>T on the plus strand (G>A on the coding strand, the complement: PKP2 is on the minus strand). VCF-style: chr12-32878412-C-T. GRCh37 (hg19) VCF-style: chr12-33031346-C-T.
Other names: c.468G>A, p.Pro156= (NM_004572.4).
Identifiers: ClinVar variation 699039 (VCV000699039.14), dbSNP rs756166702, ClinGen allele CA037488.